The following is an entry in ClinVar:

NM_015602.4(TOR1AIP1):c.1651C>G (p.His551Asp)

Gene: TOR1AIP1 (torsin 1A interacting protein 1; plus strand). Cytogenetic location: 1q25.2.
Variant type: single nucleotide variant.
Coding change: c.1651C>G on transcript NM_015602.4 (MANE Select); coding-DNA position 1651, C replaced by G.
Protein change: p.His551Asp; replaces histidine 551 with aspartic acid.
Molecular consequence: missense variant.
Genome position (GRCh38, 1-based): chr1:179,918,138, C>G. VCF-style: chr1-179918138-C-G. GRCh37 (hg19) VCF-style: chr1-179887273-C-G.
Other names: c.1654C>G, p.His552Asp (NM_001267578.2); short protein forms H552D, H551D.
Identifiers: ClinVar variation 476279 (VCV000476279.7), dbSNP rs756853004, ClinGen allele CA1269174.
Genomic context (GRCh38, chr1:179,918,138, plus strand): 5'-AAAGTAAGAGATTTTCTTAAAGTCAAGTTCACCAATTCTAACACACCCAACTCCTACAAT[C>G]ATATGGACCCAGACAAACTGAATGGCCTCTGGAGCCGTATTTCTCACTTAGTTCTGCCTG-3'
Protein context (NP_056417.2, residues 541-561): TNSNTPNSYN[His551Asp]MDPDKLNGLW

ClinVar aggregate classification (germline): Conflicting classifications of pathogenicity. Review status: criteria provided, conflicting classifications (1 of 4 stars). 4 submissions from 4 submitters: Uncertain significance (3); Likely benign (1). Last evaluated 2023-10-19.

Conditions:
Autosomal recessive limb-girdle muscular dystrophy type 2Y (MRRSDC). Also called: Muscular dystrophy, autosomal recessive, with rigid spine and distal joint contractures; Muscular dystrophy, limb-girdle, type 2y. Identifiers: Orphanet 424261, MedGen C4511482, MONDO:0014900, OMIM 617072.

Allele frequency attached by ClinVar (database versions not stated): gnomAD exomes 0.00001 and 0.00004; TOPMed 0.00001; gnomAD 0.00002 and 0.00003; ExAC 0.00004.
gnomAD v4.1: 28 of 1,613,672 alleles (0.0017%); highest among the groups gnomAD compares: South Asian, 0.0077%; 1 homozygote.

Submissions (4):

Blueprint Genetics
Classification: Likely benign. Last evaluated: 2023-10-19. Review status: criteria provided, single submitter. Criteria: ACMG Guidelines, 2015. Collection method: clinical testing. Allele origin: germline.

Genome-Nilou Lab
Classification: Uncertain significance for Autosomal recessive limb-girdle muscular dystrophy type 2Y. Last evaluated: 2023-04-11. Review status: criteria provided, single submitter. Criteria: ACMG Guidelines, 2015. Collection method: clinical testing. Allele origin: germline. Affected: no.

Labcorp Genetics (formerly Invitae), Labcorp
Classification: Uncertain significance for Autosomal recessive limb-girdle muscular dystrophy type 2Y. Last evaluated: 2022-08-15. Review status: criteria provided, single submitter. Criteria: Invitae Variant Classification Sherloc (09022015). Collection method: clinical testing. Allele origin: germline.
Comment: This sequence change replaces histidine, which is basic and polar, with aspartic acid, which is acidic and polar, at codon 552 of the TOR1AIP1 protein (p.His552Asp). This variant is present in population databases (rs756853004, gnomAD 0.02%), including at least one homozygous and/or hemizygous individual. This variant has not been reported in the literature in individuals affected with TOR1AIP1-related conditions. ClinVar contains an entry for this variant (Variation ID: 476279). Algorithms developed to predict the effect of missense changes on protein structure and function are either unavailable or do not agree on the potential impact of this missense change (SIFT: "Deleterious"; PolyPhen-2: "Benign"; Align-GVGD: "Class C0"). In summary, the available evidence is currently insufficient to determine the role of this variant in disease. Therefore, it has been classified as a Variant of Uncertain Significance.

GeneDx
Classification: Uncertain significance. Last evaluated: 2019-12-23. Review status: criteria provided, single submitter. Criteria: GeneDx Variant Classification Process June 2021. Collection method: clinical testing. Allele origin: germline. Affected: yes.
Comment: In silico analysis, which includes protein predictors and evolutionary conservation, supports a deleterious effect; Has not been previously published as pathogenic or benign to our knowledge; Reported in ClinVar but additional evidence is not available (ClinVar Variant ID# 476279; Landrum et al., 2016)